The following is an entry in ClinVar:

NM_032892.5(FRMD5):c.710G>A (p.Arg237Lys)

Gene: FRMD5 (FERM domain containing 5; minus strand). Cytogenetic location: 15q15.3.
Variant type: single nucleotide variant.
Coding change: c.710G>A on transcript NM_032892.5 (MANE Select); coding-DNA position 710, G replaced by A.
Protein change: p.Arg237Lys; replaces arginine 237 with lysine.
Molecular consequence: missense variant. On other transcripts: non-coding transcript variant (1), intron variant (1).
Genome position (GRCh38, 1-based): chr15:43,891,999, C>T on the plus strand (G>A on the coding strand, the complement: FRMD5 is on the minus strand). VCF-style: chr15-43891999-C-T. GRCh37 (hg19) VCF-style: chr15-44184197-C-T.
Other names: c.710G>A (NM_032892.4); c.443G>A, p.Arg148Lys (NM_001286490.2); c.710G>A, p.Arg237Lys (NM_001322949.2, NM_001322950.2, NM_001411124.1); c.605G>A, p.Arg202Lys (NM_001322951.2); c.27-3127G>A (NM_001286491.2); short protein forms R148K, R202K, R237K.
Identifiers: ClinVar variation 3898077 (VCV003898077.8).
Genomic context (GRCh38, chr15:43,891,999, plus strand): 5'-GGTGAGATATAAAGAGCCTATTTTGGAAATGAAGATGCTCACCATTTAATGAAGTGGACC[C>T]TCTTGTTTCCTTGAAGAACAACAAACCCAAAAGGAGTGAAGGCCAGAAATGCAGCATTTC-3'
Protein context (NP_116281.2, residues 227-247): FGFVVLQGNK[Arg237Lys]VHFIKWNEVT

ClinVar aggregate classification (germline): Benign/Likely benign. Review status: criteria provided, multiple submitters, no conflicts (2 of 4 stars). 2 submissions from 2 submitters: Benign (1); Likely benign (1). Last evaluated 2026-07-01.

Conditions:
FRMD5-related condition.

Submissions (2):

CeGaT Center for Human Genetics Tuebingen
Classification: Likely benign. Last evaluated: 2026-07-01. Review status: criteria provided, single submitter. Criteria: CeGaT Center For Human Genetics Tuebingen Variant Classification Criteria Version 2. Collection method: clinical testing. Allele origin: germline. Affected: yes. Observed: 12 variant alleles.
Comment: FRMD5: BS2

PreventionGenetics, part of Exact Sciences
Classification: Benign for FRMD5-related condition. Last evaluated: 2024-12-22. Review status: criteria provided, single submitter. Criteria: ACMG Guidelines, 2015. Collection method: clinical testing. Allele origin: germline.
Comment: This variant is classified as benign based on ACMG/AMP sequence variant interpretation guidelines (Richards et al. 2015 PMID: 25741868, with internal and published modifications).